The following is an entry in ClinVar:

ClinVar aggregate classification (germline): Uncertain significance. Review status: criteria provided, multiple submitters, no conflicts (2 of 4 stars). 2 submissions from 2 submitters: Uncertain significance (2). Last evaluated 2025-08-01.

Conditions:
Hereditary cancer-predisposing syndrome. Also called: Tumor predisposition; Neoplastic Syndromes, Hereditary; Hereditary Cancer Syndrome; Hereditary neoplastic syndrome. Identifiers: Orphanet 140162, MedGen C0027672, MeSH D009386, MONDO:0015356.
Ataxia-telangiectasia syndrome (AT). Also called: LOUIS-BAR SYNDROME; Cerebello-oculocutaneous telangiectasia; Immunodeficiency with ataxia telangiectasia; Ataxia-telangiectasia, complementation group D; AT, COMPLEMENTATION GROUP C; ATAXIA-TELANGIECTASIA, COMPLEMENTATION GROUP A. Identifiers: Orphanet 100, MedGen C0004135, MONDO:0008840, OMIM 208900.

Allele frequency attached by ClinVar (database versions not stated): gnomAD exomes below 0.00001.
gnomAD v4.1: 1 of 1,613,924 alleles (0.000062%); highest among the groups gnomAD compares: South Asian, 0.0011%; no homozygotes.

Submissions (2):

Ambry Genetics
Classification: Uncertain significance for Hereditary cancer-predisposing syndrome. Last evaluated: 2025-08-01. Review status: criteria provided, single submitter. Criteria: Ambry Variant Classification Scheme 2023. Collection method: clinical testing. Allele origin: germline.
Comment: The p.G558E variant (also known as c.1673G>A), located in coding exon 10 of the ATM gene, results from a G to A substitution at nucleotide position 1673. The glycine at codon 558 is replaced by glutamic acid, an amino acid with similar properties. This amino acid position is well conserved in available vertebrate species. In addition, the in silico prediction for this alteration is inconclusive. Based on the available evidence, the clinical significance of this variant remains unclear.

Labcorp Genetics (formerly Invitae), Labcorp
Classification: Uncertain significance for Ataxia-telangiectasia syndrome. Last evaluated: 2024-06-10. Review status: criteria provided, single submitter. Criteria: Invitae Variant Classification Sherloc (09022015). Collection method: clinical testing. Allele origin: germline.
Comment: This sequence change replaces glycine, which is neutral and non-polar, with glutamic acid, which is acidic and polar, at codon 558 of the ATM protein (p.Gly558Glu). This variant is not present in population databases (gnomAD no frequency). This variant has not been reported in the literature in individuals affected with ATM-related conditions. ClinVar contains an entry for this variant (Variation ID: 1777748). Algorithms developed to predict the effect of missense changes on protein structure and function output the following: SIFT: "Not Available"; PolyPhen-2: "Benign"; Align-GVGD: "Not Available". The glutamic acid amino acid residue is found in multiple mammalian species, which suggests that this missense change does not adversely affect protein function. In summary, the available evidence is currently insufficient to determine the role of this variant in disease. Therefore, it has been classified as a Variant of Uncertain Significance.

NM_000051.4(ATM):c.1673G>A (p.Gly558Glu)

Gene: ATM (ATM serine/threonine kinase; plus strand). Cytogenetic location: 11q22.3.
Variant type: single nucleotide variant.
Coding change: c.1673G>A on transcript NM_000051.4 (MANE Select); coding-DNA position 1673, G replaced by A.
Protein change: p.Gly558Glu; replaces glycine 558 with glutamic acid.
Molecular consequence: missense variant.
Genome position (GRCh38, 1-based): chr11:108,251,902, G>A. VCF-style: chr11-108251902-G-A. GRCh37 (hg19) VCF-style: chr11-108122629-G-A.
Other names: c.1673G>A, p.Gly558Glu (NM_001351834.2); short protein forms G558E.
Identifiers: ClinVar variation 1777748 (VCV001777748.8), dbSNP rs1064795257, ClinGen allele CA382535130.
Genomic context (GRCh38, chr11:108,251,902, plus strand): 5'-CAGTATGCTGTTTGACTTTGGCACTGACCACCAGTATAGTTCCAGGAACGGTAAAAATGG[G>A]AATAGAGCAAAATATGTGTGAAGTAAATAGAAGCTTTTCTTTAAAGGAATCAATAATGAA-3'
Protein context (NP_000042.3, residues 548-568): TSIVPGTVKM[Gly558Glu]IEQNMCEVNR